The following is an entry in ClinVar:

ClinVar aggregate classification (germline): Uncertain significance. Review status: criteria provided, multiple submitters, no conflicts (2 of 4 stars). 2 submissions from 2 submitters: Uncertain significance (2). Last evaluated 2024-04-25.

Conditions:
Hereditary cancer-predisposing syndrome. Also called: Neoplastic Syndromes, Hereditary; Tumor predisposition; Hereditary Cancer Syndrome; Hereditary neoplastic syndrome. Identifiers: Orphanet 140162, MedGen C0027672, MeSH D009386, MONDO:0015356.
Familial cancer of breast. Also called: BREAST CANCER, FAMILIAL; Hereditary breast cancer; hereditary breast carcinoma. Identifiers: Orphanet 227535, MedGen C0346153, MONDO:0016419, OMIM 114480. Disease mechanism: loss of function.

Allele frequency attached by ClinVar (database versions not stated): gnomAD exomes below 0.00001.
gnomAD v4.1: 1 of 1,614,166 alleles (0.000062%); highest among the groups gnomAD compares: East Asian, 0.0022%; no homozygotes.

Submissions (2):

Labcorp Genetics (formerly Invitae), Labcorp
Classification: Uncertain significance for Familial cancer of breast. Last evaluated: 2024-04-25. Review status: criteria provided, single submitter. Criteria: Invitae Variant Classification Sherloc (09022015). Collection method: clinical testing. Allele origin: germline.
Comment: This sequence change replaces valine, which is neutral and non-polar, with alanine, which is neutral and non-polar, at codon 627 of the PALB2 protein (p.Val627Ala). This variant is not present in population databases (gnomAD no frequency). This variant has not been reported in the literature in individuals affected with PALB2-related conditions. ClinVar contains an entry for this variant (Variation ID: 1781889). Advanced modeling of protein sequence and biophysical properties (such as structural, functional, and spatial information, amino acid conservation, physicochemical variation, residue mobility, and thermodynamic stability) performed at Invitae indicates that this missense variant is not expected to disrupt PALB2 protein function with a negative predictive value of 80%. In summary, the available evidence is currently insufficient to determine the role of this variant in disease. Therefore, it has been classified as a Variant of Uncertain Significance.

Ambry Genetics
Classification: Uncertain significance for Hereditary cancer-predisposing syndrome. Last evaluated: 2021-07-05. Review status: criteria provided, single submitter. Criteria: Ambry Variant Classification Scheme 2023. Collection method: clinical testing. Allele origin: germline.
Comment: The p.V627A variant (also known as c.1880T>C), located in coding exon 5 of the PALB2 gene, results from a T to C substitution at nucleotide position 1880. The valine at codon 627 is replaced by alanine, an amino acid with similar properties. This amino acid position is conserved. In addition, this alteration is predicted to be tolerated by in silico analysis. Since supporting evidence is limited at this time, the clinical significance of this alteration remains unclear.

NM_024675.4(PALB2):c.1880T>C (p.Val627Ala)

Gene: PALB2 (partner and localizer of BRCA2; minus strand). Cytogenetic location: 16p12.2.
Variant type: single nucleotide variant.
Coding change: c.1880T>C on transcript NM_024675.4 (MANE Select); coding-DNA position 1880, T replaced by C.
Protein change: p.Val627Ala; replaces valine 627 with alanine.
Molecular consequence: missense variant.
Genome position (GRCh38, 1-based): chr16:23,630,274, A>G on the plus strand (T>C on the coding strand, the complement: PALB2 is on the minus strand). VCF-style: chr16-23630274-A-G. GRCh37 (hg19) VCF-style: chr16-23641595-A-G.
Other names: c.1820T>C, p.Val607Ala (NM_001407296.1); c.1880T>C, p.Val627Ala (NM_001407297.1, NM_001407298.1, NM_001407299.1 and 3 more transcripts); c.995T>C, p.Val332Ala (NM_001407304.1, NM_001407305.1, NM_001407306.1 and 5 more transcripts); c.92T>C, p.Val31Ala (NM_001407312.1, NM_001407313.1); short protein forms V31A, V332A, V607A, V627A.
Identifiers: ClinVar variation 1781889 (VCV001781889.4), dbSNP rs1597090905, ClinGen allele CA395127653.
Genomic context (GRCh38, chr16:23,630,274, plus strand): 5'-TGTCTCTCTCCAAACATTTTTGACTCAAAGGGCTCCACTGGTTTTTCTGAGCAGGACTTC[A>G]CTTTTTCAAGCTTAAGAGGTCCAAAGTCTTCATCAGGTAACTGAAAGTCTGTGATACTGA-3'
Protein context (NP_078951.2, residues 617-637): EDFGPLKLEK[Val627Ala]KSCSEKPVEP